The following is an entry in ClinVar:

ClinVar aggregate classification (germline): Likely benign. Review status: criteria provided, multiple submitters, no conflicts (2 of 4 stars). 2 submissions from 2 submitters: Likely benign (2). Last evaluated 2018-06-19.

Allele frequency attached by ClinVar (database versions not stated): gnomAD exomes 0.02093; gnomAD 0.02483 and 0.02489; 1000 Genomes Project 0.03015; 1000 Genomes Project 30x 0.03076.
gnomAD v4.1: 23,789 of 1,098,832 alleles (2.2%); highest among the groups gnomAD compares: African/African-American, 2.8%; 316 homozygotes.

Submissions (2):

GeneDx
Classification: Likely benign. Last evaluated: 2018-06-19. Review status: criteria provided, single submitter. Criteria: GeneDx Variant Classification (06012015). Collection method: clinical testing. Allele origin: germline. Affected: yes.
Comment: This variant is considered likely benign or benign based on one or more of the following criteria: it is a conservative change, it occurs at a poorly conserved position in the protein, it is predicted to be benign by multiple in silico algorithms, and/or has population frequency not consistent with disease.

Breakthrough Genomics
Classification: Likely benign. Review status: criteria provided, single submitter. Criteria: ACMG Guidelines, 2015. Collection method: not provided. Allele origin: germline. Inheritance: Autosomal dominant inheritance. Affected: yes.

NM_000093.5(COL5A1):c.2485-90T>C

Gene: COL5A1 (collagen type V alpha 1 chain; plus strand). Cytogenetic location: 9q34.3.
Variant type: single nucleotide variant.
Coding change: c.2485-90T>C on transcript NM_000093.5 (MANE Select); 90 bases into the intron before coding-DNA position 2485, T replaced by C.
Molecular consequence: intron variant.
Genome position (GRCh38, 1-based): chr9:134,784,899, T>C. VCF-style: chr9-134784899-T-C. GRCh37 (hg19) VCF-style: chr9-137676745-T-C.
Other names: c.2485-90T>C (NM_001278074.1).
Identifiers: ClinVar variation 674560 (VCV000674560.2), dbSNP rs62571363, ClinGen allele CA201105040.